The following is an entry in ClinVar:

ClinVar aggregate classification (germline): Uncertain significance. Review status: criteria provided, multiple submitters, no conflicts (2 of 4 stars). 3 submissions from 3 submitters: Uncertain significance (3). Last evaluated 2025-07-30.

Conditions:
Catecholaminergic polymorphic ventricular tachycardia 1. Also called: VENTRICULAR TACHYCARDIA, CATECHOLAMINERGIC POLYMORPHIC, 1, WITH OR WITHOUT ATRIAL DYSFUNCTION AND/OR DILATED CARDIOMYOPATHY; RYR2-Related Catecholaminergic Polymorphic Ventricular Tachycardia; VENTRICULAR TACHYCARDIA, STRESS-INDUCED POLYMORPHIC 1. Identifiers: Orphanet 3286, MedGen C1631597, MONDO:0011484, OMIM 604772.
Catecholaminergic polymorphic ventricular tachycardia 2. Also called: CASQ2-Related Catecholaminergic Polymorphic Ventricular Tachycardia; VENTRICULAR TACHYCARDIA, STRESS-INDUCED POLYMORPHIC 2. Identifiers: Orphanet 3286, MedGen C2677794, MONDO:0012762, OMIM 611938.
Cardiovascular phenotype. Identifiers: MedGen CN230736.

Allele frequency attached by ClinVar (database versions not stated): TOPMed 0.00001; gnomAD exomes below 0.00001; gnomAD 0.00001.
gnomAD v4.1: 5 of 1,613,672 alleles (0.00031%); highest among the groups gnomAD compares: African/African-American, 0.0027%; no homozygotes.

Submissions (3):

Ambry Genetics
Classification: Uncertain significance for Cardiovascular phenotype. Last evaluated: 2025-07-30. Review status: criteria provided, single submitter. Criteria: Ambry Variant Classification Scheme 2023. Collection method: clinical testing. Allele origin: germline.
Comment: The p.G90R variant (also known as c.268G>C), located in coding exon 2 of the CASQ2 gene, results from a G to C substitution at nucleotide position 268. The glycine at codon 90 is replaced by arginine, an amino acid with dissimilar properties. This amino acid position is highly conserved in available vertebrate species. In addition, the in silico prediction for this alteration is inconclusive. Since supporting evidence is limited at this time, the clinical significance of this alteration remains unclear.

Labcorp Genetics (formerly Invitae), Labcorp
Classification: Uncertain significance for Catecholaminergic polymorphic ventricular tachycardia 1. Last evaluated: 2025-07-15. Review status: criteria provided, single submitter. Criteria: Invitae Variant Classification Sherloc (09022015). Collection method: clinical testing. Allele origin: germline.
Comment: This sequence change replaces glycine, which is neutral and non-polar, with arginine, which is basic and polar, at codon 90 of the CASQ2 protein (p.Gly90Arg). This variant is not present in population databases (gnomAD no frequency). This variant has not been reported in the literature in individuals affected with CASQ2-related conditions. ClinVar contains an entry for this variant (Variation ID: 1794787). Invitae Evidence Modeling of protein sequence and biophysical properties (such as structural, functional, and spatial information, amino acid conservation, physicochemical variation, residue mobility, and thermodynamic stability) has been performed for this missense variant. However, the output from this modeling did not meet the statistical confidence thresholds required to predict the impact of this variant on CASQ2 protein function. In summary, the available evidence is currently insufficient to determine the role of this variant in disease. Therefore, it has been classified as a Variant of Uncertain Significance.

Genome-Nilou Lab
Classification: Uncertain significance for Catecholaminergic polymorphic ventricular tachycardia 2. Last evaluated: 2023-04-11. Review status: criteria provided, single submitter. Criteria: ACMG Guidelines, 2015. Collection method: clinical testing. Allele origin: germline. Affected: no.

NM_001232.4(CASQ2):c.268G>C (p.Gly90Arg)

Gene: CASQ2 (calsequestrin 2; minus strand). Cytogenetic location: 1p13.1.
Variant type: single nucleotide variant.
Coding change: c.268G>C on transcript NM_001232.4 (MANE Select); coding-DNA position 268, G replaced by C.
Protein change: p.Gly90Arg; replaces glycine 90 with arginine.
Molecular consequence: missense variant.
Genome position (GRCh38, 1-based): chr1:115,744,879, C>G on the plus strand (G>C on the coding strand, the complement: CASQ2 is on the minus strand). VCF-style: chr1-115744879-C-G. GRCh37 (hg19) VCF-style: chr1-116287500-C-G.
Other names: short protein forms G90R.
Identifiers: ClinVar variation 1794787 (VCV001794787.9), dbSNP rs1208892614, ClinGen allele CA341765458.
Genomic context (GRCh38, chr1:115,744,879, plus strand): 5'-CACACTTACCCAGTTTCTTGGCAAGCTTGGCTTCTTTCTTGGCATCCACCATCACAAAGC[C>G]TATAGCTTTATGTTCAAGGACCTGGGCCACAAGCTGAAGAAACAAATGGAAAGATGAGTG-3'
Protein context (NP_001223.2, residues 80-100): VAQVLEHKAI[Gly90Arg]FVMVDAKKEA